The following is an entry in ClinVar:

NM_024598.4(USB1):c.535C>G (p.His179Asp)

Gene: USB1 (U6 snRNA biogenesis phosphodiesterase 1; plus strand). Cytogenetic location: 16q21.
Variant type: single nucleotide variant.
Coding change: c.535C>G on transcript NM_024598.4 (MANE Select); coding-DNA position 535, C replaced by G.
Protein change: p.His179Asp; replaces histidine 179 with aspartic acid.
Molecular consequence: missense variant.
Genome position (GRCh38, 1-based): chr16:58,017,365, C>G. VCF-style: chr16-58017365-C-G. GRCh37 (hg19) VCF-style: chr16-58051269-C-G.
Other names: c.481C>G, p.His161Asp (NM_001195302.2); c.382C>G, p.His128Asp (NM_001330568.2); short protein forms H128D, H161D, H179D.
Identifiers: ClinVar variation 4866352 (VCV004866352.1).

ClinVar aggregate classification (germline): Uncertain significance (1 of 4 stars; one submission).

Conditions:
Inborn genetic diseases. Identifiers: MedGen C0950123, MeSH D030342.

Submission:

Ambry Genetics
Classification: Uncertain significance for Inborn genetic diseases. Last evaluated: 2026-04-19. Review status: criteria provided, single submitter. Criteria: Ambry Variant Classification Scheme 2023. Collection method: clinical testing. Allele origin: germline.
Comment: The p.H179D variant (also known as c.535C>G), located in coding exon 5 of the USB1 gene, results from a C to G substitution at nucleotide position 535. The histidine at codon 179 is replaced by aspartic acid, an amino acid with similar properties. This amino acid position is conserved. In addition, this alteration is predicted to be tolerated by in silico analysis. Based on the available evidence, the clinical significance of this variant remains unclear.